The following is an entry in ClinVar:

ClinVar aggregate classification (germline): Uncertain significance (1 of 4 stars; one submission).

Submission:

Labcorp Genetics (formerly Invitae), Labcorp
Classification: Uncertain significance. Last evaluated: 2022-11-14. Review status: criteria provided, single submitter. Criteria: Invitae Variant Classification Sherloc (09022015). Collection method: clinical testing. Allele origin: germline.
Comment: In summary, the available evidence is currently insufficient to determine the role of this variant in disease. Therefore, it has been classified as a Variant of Uncertain Significance. Advanced modeling of protein sequence and biophysical properties (such as structural, functional, and spatial information, amino acid conservation, physicochemical variation, residue mobility, and thermodynamic stability) performed at Invitae indicates that this missense variant is not expected to disrupt MCM4 protein function. This variant has not been reported in the literature in individuals affected with MCM4-related conditions. This variant is not present in population databases (gnomAD no frequency). This sequence change replaces serine, which is neutral and polar, with alanine, which is neutral and non-polar, at codon 784 of the MCM4 protein (p.Ser784Ala).

NM_182746.3(MCM4):c.2350T>G (p.Ser784Ala)

Gene: MCM4 (minichromosome maintenance complex component 4; plus strand). Cytogenetic location: 8q11.21.
Variant type: single nucleotide variant.
Coding change: c.2350T>G on transcript NM_182746.3 (MANE Select); coding-DNA position 2350, T replaced by G.
Protein change: p.Ser784Ala; replaces serine 784 with alanine.
Molecular consequence: missense variant.
Genome position (GRCh38, 1-based): chr8:47,974,947, T>G. VCF-style: chr8-47974947-T-G. GRCh37 (hg19) VCF-style: chr8-48887507-T-G.
Other names: c.2350T>G, p.Ser784Ala (NM_005914.4); short protein forms S784A.
Identifiers: ClinVar variation 2118911 (VCV002118911.4), dbSNP rs372003508, ClinGen allele CA371156123.